The following is an entry in ClinVar:

NM_014491.4(FOXP2):c.597G>C (p.Glu199Asp)

Gene: FOXP2 (forkhead box P2; plus strand). Cytogenetic location: 7q31.1.
Variant type: single nucleotide variant.
Coding change: c.597G>C on transcript NM_014491.4 (MANE Select); coding-DNA position 597, G replaced by C.
Protein change: p.Glu199Asp; replaces glutamic acid 199 with aspartic acid.
Molecular consequence: missense variant. On other transcripts: non-coding transcript variant (2).
Genome position (GRCh38, 1-based): chr7:114,630,005, G>C. VCF-style: chr7-114630005-G-C. GRCh37 (hg19) VCF-style: chr7-114270060-G-C.
Other names: c.597G>C, p.Glu199Asp (NM_001172766.3, NM_148899.3); c.672G>C, p.Glu224Asp (NM_001172767.2, NM_148898.4); c.648G>C, p.Glu216Asp (NM_148900.4); short protein forms E199D, E216D, E224D.
Identifiers: ClinVar variation 4074431 (VCV004074431.1).

ClinVar aggregate classification (germline): Uncertain significance (1 of 4 stars; one submission).

Submission:

GeneDx
Classification: Uncertain significance. Last evaluated: 2025-02-03. Review status: criteria provided, single submitter. Criteria: GeneDx Variant Classification Process June 2021. Collection method: clinical testing. Allele origin: germline. Affected: yes.
Comment: Not observed at significant frequency in large population cohorts (gnomAD); In silico analysis indicates that this missense variant does not alter protein structure/function; Has not been previously published as pathogenic or benign to our knowledge